The following is an entry in ClinVar:

NM_001206744.2(TPO):c.*115G>T

Genes: TPO (thyroid peroxidase; plus strand), LALTOP (lung cancer associated lncRNA targeting TOP2A; minus strand). Cytogenetic location: 2p25.3.
Variant type: single nucleotide variant.
Coding change: c.*115G>T on transcript NM_001206744.2 (MANE Select); 115 bases downstream of the stop codon, G replaced by T.
Molecular consequence: 3 prime UTR variant.
Genome position (GRCh38, 1-based): chr2:1,542,589, G>T. VCF-style: chr2-1542589-G-T. GRCh37 (hg19) VCF-style: chr2-1546361-G-T.
Other names: c.*115G>T (NM_000547.6, NM_001206745.2, NM_175719.4 and 2 more transcripts).
Identifiers: ClinVar variation 331645 (VCV000331645.9), dbSNP rs28915689, ClinGen allele CA1512399.

ClinVar aggregate classification (germline): Benign. Review status: criteria provided, multiple submitters, no conflicts (2 of 4 stars). 3 submissions from 3 submitters: Benign (3). Last evaluated 2021-06-19.

Conditions:
Deficiency of iodide peroxidase (TDH2A). Also called: HYPOTHYROIDISM, CONGENITAL, DUE TO DYSHORMONOGENESIS, 2A; IODIDE PEROXIDASE DEFICIENCY; THYROID HORMONOGENESIS, GENETIC DEFECT IN, 2A; THYROID PEROXIDASE DEFICIENCY; Thyroid dyshormonogenesis 2A. Identifiers: Orphanet 95716, MedGen C1291299, MONDO:0010133, OMIM 274500.

Allele frequency attached by ClinVar (database versions not stated): ESP Exome Variant Server 0.07271; gnomAD 0.09016 and 0.09368; TOPMed 0.09050; 1000 Genomes Project 30x 0.09478; 1000 Genomes Project 0.09545; gnomAD exomes 0.10765 and 0.12144; ExAC 0.13845.
gnomAD v4.1: 165,800 of 1,561,682 alleles (11%); highest among the groups gnomAD compares: Admixed American, 19%; 10,179 homozygotes.

Submissions (3):

GeneDx
Classification: Benign. Last evaluated: 2021-06-19. Review status: criteria provided, single submitter. Criteria: GeneDx Variant Classification Process June 2021. Collection method: clinical testing. Allele origin: germline. Affected: yes.

Illumina Laboratory Services, Illumina
Classification: Benign for Deficiency of iodide peroxidase. Last evaluated: 2018-01-12. Review status: criteria provided, single submitter. Criteria: ICSL Variant Classification Criteria 13 December 2019. Collection method: clinical testing. Allele origin: germline.
Comment: This variant was observed in the ICSL laboratory as part of a predisposition screen in an ostensibly healthy population. It had not been previously curated by ICSL or reported in the Human Gene Mutation Database (HGMD: prior to June 1st, 2018), and was therefore a candidate for classification through an automated scoring system. Utilizing variant allele frequency, disease prevalence and penetrance estimates, and inheritance mode, an automated score was calculated to assess if this variant is too frequent to cause the disease. Based on the score and internal cut-off values, a variant classified as benign is not then subjected to further curation. The score for this variant resulted in a classification of benign for this disease.

Breakthrough Genomics
Classification: Benign. Review status: criteria provided, single submitter. Criteria: ACMG Guidelines, 2015. Collection method: not provided. Allele origin: germline. Inheritance: Autosomal recessive inheritance. Affected: yes.